The following is an entry in ClinVar:

NM_001042492.3(NF1):c.7822G>C (p.Glu2608Gln)

Gene: NF1 (neurofibromin 1; plus strand). Cytogenetic location: 17q11.2.
Variant type: single nucleotide variant.
Coding change: c.7822G>C on transcript NM_001042492.3 (MANE Select); coding-DNA position 7822, G replaced by C.
Protein change: p.Glu2608Gln; replaces glutamic acid 2608 with glutamine.
Molecular consequence: missense variant.
Genome position (GRCh38, 1-based): chr17:31,357,043, G>C. VCF-style: chr17-31357043-G-C. GRCh37 (hg19) VCF-style: chr17-29684061-G-C.
Other names: c.7759G>C, p.Glu2587Gln (NM_000267.4); short protein forms E2587Q, E2608Q.
Identifiers: ClinVar variation 827243 (VCV000827243.11), dbSNP rs1597866487, ClinGen allele CA399018574.

ClinVar aggregate classification (germline): Uncertain significance. Review status: criteria provided, multiple submitters, no conflicts (2 of 4 stars). 3 submissions from 3 submitters: Uncertain significance (3). Last evaluated 2026-04-11.

Conditions:
Hereditary cancer-predisposing syndrome. Also called: Tumor predisposition; Neoplastic Syndromes, Hereditary; Hereditary neoplastic syndrome; Hereditary Cancer Syndrome. Identifiers: Orphanet 140162, MedGen C0027672, MeSH D009386, MONDO:0015356.
Cardiovascular phenotype. Identifiers: MedGen CN230736.
Neurofibromatosis, type 1 (NF1). Also called: Peripheral type neurofibromatosis; Neurofibromatosis, type I; NEUROFIBROMATOSIS, TYPE I, SOMATIC; VON RECKLINGHAUSEN DISEASE. Identifiers: Orphanet 636, MedGen C0027831, MONDO:0018975, OMIM 162200. Disease mechanism: loss of function.

Allele frequency attached by ClinVar (database versions not stated): gnomAD 0.00001; gnomAD exomes 0.00001.
gnomAD v4.1: 7 of 1,613,812 alleles (0.00043%); highest among the groups gnomAD compares: East Asian, 0.013%; no homozygotes.

Submissions (3):

Ambry Genetics
Classification: Uncertain significance for Cardiovascular phenotype; Hereditary cancer-predisposing syndrome. Last evaluated: 2026-04-11. Review status: criteria provided, single submitter. Criteria: Ambry Variant Classification Scheme 2023. Collection method: clinical testing. Allele origin: germline.

Labcorp Genetics (formerly Invitae), Labcorp
Classification: Uncertain significance for Neurofibromatosis, type 1. Last evaluated: 2024-10-09. Review status: criteria provided, single submitter. Criteria: Invitae Variant Classification Sherloc (09022015). Collection method: clinical testing. Allele origin: germline.
Comment: This sequence change replaces glutamic acid, which is acidic and polar, with glutamine, which is neutral and polar, at codon 2587 of the NF1 protein (p.Glu2587Gln). This variant is not present in population databases (gnomAD no frequency). This variant has not been reported in the literature in individuals affected with NF1-related conditions. ClinVar contains an entry for this variant (Variation ID: 827243). Invitae Evidence Modeling of protein sequence and biophysical properties (such as structural, functional, and spatial information, amino acid conservation, physicochemical variation, residue mobility, and thermodynamic stability) indicates that this missense variant is not expected to disrupt NF1 protein function with a negative predictive value of 95%. In summary, the available evidence is currently insufficient to determine the role of this variant in disease. Therefore, it has been classified as a Variant of Uncertain Significance.

Women's Health and Genetics/Laboratory Corporation of America, LabCorp
Classification: Uncertain significance. Last evaluated: 2022-01-31. Review status: criteria provided, single submitter. Criteria: LabCorp Variant Classification Summary - May 2015. Collection method: clinical testing. Allele origin: germline.
Comment: Variant summary: NF1 c.7759G>C (p.Glu2587Gln) results in a conservative amino acid change in the encoded protein sequence. Three of five in-silico tools predict a benign effect of the variant on protein function. The variant allele was found at a frequency of 5.7e-05 in 298608 control chromosomes (gnomAD and publication data). This frequency is not higher than expected for a pathogenic variant in NF1 causing Neurofibromatosis Type 1 (5.7e-05 vs 0.00021), allowing no conclusion about variant significance. c.7759G>C has been reported in the literature in individuals affected with breast cancer as well as in controls (Momozawa_2018). The report does not provide unequivocal conclusions about association of the variant with Neurofibromatosis Type 1. To our knowledge, no experimental evidence demonstrating an impact on protein function has been reported. One ClinVar submitter (evaluation after 2014) cites the variant as uncertain significance. Based on the evidence outlined above, the variant was classified as uncertain significance.

Literature cited by the submitters: PubMed 30287823 (cited by Women's Health and Genetics/Laboratory Corporation of America, LabCorp).